The following is an entry in ClinVar:

NM_001040142.2(SCN2A):c.1048G>A (p.Gly350Arg)

Gene: SCN2A (sodium voltage-gated channel alpha subunit 2; plus strand). Cytogenetic location: 2q24.3.
Variant type: single nucleotide variant.
Coding change: c.1048G>A on transcript NM_001040142.2 (MANE Select); coding-DNA position 1048, G replaced by A.
Protein change: p.Gly350Arg; replaces glycine 350 with arginine.
Molecular consequence: missense variant.
Genome position (GRCh38, 1-based): chr2:165,313,633, G>A. VCF-style: chr2-165313633-G-A. GRCh37 (hg19) VCF-style: chr2-166170143-G-A.
Other names: c.1048G>A, p.Gly350Arg (NM_001040143.2, NM_001371246.1, NM_001371247.1 and 1 more transcripts); short protein forms G350R.
Identifiers: ClinVar variation 1320452 (VCV001320452.2), dbSNP rs1553568731, ClinGen allele CA349020285.

ClinVar aggregate classification (germline): Uncertain significance (1 of 4 stars; one submission).

Submission:

GeneDx
Classification: Uncertain significance. Last evaluated: 2022-12-07. Review status: criteria provided, single submitter. Criteria: GeneDx Variant Classification Process June 2021. Collection method: clinical testing. Allele origin: germline. Affected: yes.
Comment: Not observed at significant frequency in large population cohorts (gnomAD); Missense variants in this gene are often considered pathogenic (HGMD); In silico analysis supports that this missense variant has a deleterious effect on protein structure/function; This substitution is predicted to be within the extracellular loop between the S5 and S6 transmembrane segments of the first homologous domain.; Has not been previously published as pathogenic or benign to our knowledge; This variant is associated with the following publications: (PMID: 24077912)